The following is an entry in ClinVar:

ClinVar aggregate classification (germline): Conflicting classifications of pathogenicity. Review status: criteria provided, conflicting classifications (1 of 4 stars). 10 submissions from 10 submitters: Uncertain significance (3); Likely benign (5). 2 of the submissions do not count toward it. Last evaluated 2026-01-20.

Conditions:
Retinal dystrophy. Also called: Inherited retinal dystrophy. Identifiers: Orphanet 71862, MedGen C0854723, MeSH D058499, MONDO:0019118, HP:0000556.
Retinitis pigmentosa (RP). Identifiers: Orphanet 791, MedGen C0035334, MeSH D012174, MONDO:0019200, OMIM 268000. Inheritance: Autosomal dominant, autosomal recessive and X linked inheritance.
Congenital stationary night blindness 1E. Also called: Night blindness, congenital stationary (complete), 1E, autosomal recessive. Identifiers: Orphanet 215, MedGen C3281215, MONDO:0013807, OMIM 614565.

Allele frequency attached by ClinVar (database versions not stated): 1000 Genomes Project 0.00040; 1000 Genomes Project 30x 0.00047; TOPMed 0.00143; ESP Exome Variant Server 0.00145; gnomAD 0.00160; gnomAD exomes 0.00194 and 0.00221; ExAC 0.00224.

Submissions (10):

Labcorp Genetics (formerly Invitae), Labcorp
Classification: Likely benign. Last evaluated: 2026-01-20. Review status: criteria provided, single submitter. Criteria: Invitae Variant Classification Sherloc (09022015). Collection method: clinical testing. Allele origin: germline.

CeGaT Center for Human Genetics Tuebingen
Classification: Likely benign. Last evaluated: 2025-07-01. Review status: criteria provided, single submitter. Criteria: CeGaT Center For Human Genetics Tuebingen Variant Classification Criteria Version 2. Collection method: clinical testing. Allele origin: germline. Affected: yes. Observed: 4 variant alleles.
Comment: GPR179: BP4

Blueprint Genetics
Classification: Likely benign. Last evaluated: 2024-11-28. Review status: criteria provided, single submitter. Criteria: ACMG Guidelines, 2015. Collection method: clinical testing. Allele origin: germline.

Institute of Human Genetics, Univ. Regensburg, Univ. Regensburg
Classification: Uncertain significance for Retinal dystrophy. Last evaluated: 2023-01-01. Review status: criteria provided, single submitter. Criteria: ACMG Guidelines, 2015. Collection method: clinical testing. Allele origin: germline. Affected: yes.

Illumina Laboratory Services, Illumina
Classification: Likely benign for Congenital stationary night blindness 1E. Last evaluated: 2018-01-13. Review status: criteria provided, single submitter. Criteria: ICSL Variant Classification Criteria 13 December 2019. Collection method: clinical testing. Allele origin: germline.
Comment: This variant was observed in the ICSL laboratory as part of a predisposition screen in an ostensibly healthy population. It had not been previously curated by ICSL or reported in the Human Gene Mutation Database (HGMD: prior to June 1st, 2018), and was therefore a candidate for classification through an automated scoring system. Utilizing variant allele frequency, disease prevalence and penetrance estimates, and inheritance mode, an automated score was calculated to assess if this variant is too frequent to cause the disease. Based on the score and internal cut-off values, a variant classified as likely benign is not then subjected to further curation. The score for this variant resulted in a classification of likely benign for this disease.

Eurofins Ntd Llc (ga)
Classification: Uncertain significance. Last evaluated: 2017-11-16. Review status: criteria provided, single submitter. Criteria: EGL Classification Definitions 2015. Collection method: clinical testing. Allele origin: germline. Observed: 1 variant allele, 1 heterozygote.

Clinical Genetics DNA and cytogenetics Diagnostics Lab, Erasmus MC, Erasmus Medical Center
Classification: Likely benign for Congenital stationary night blindness 1E. Last evaluated: 2017-03-15. Review status: criteria provided, single submitter. Criteria: ACGS Guidelines, 2013. Collection method: clinical testing. Allele origin: germline. Affected: yes. Study: VKGL Data-share Consensus.

GeneDx
Classification: Uncertain significance. Last evaluated: 2017-03-02. Review status: criteria provided, single submitter. Criteria: GeneDx Variant Classification (06012015). Collection method: clinical testing. Allele origin: germline. Affected: yes.
Comment: The G1992D variant in the GPR179 gene has not been reported previously as a pathogenic variant, nor as a benignvariant, to our knowledge. The G1992D variant is observed in 225/66728 alleles (0.337%) alleles from individuals ofEuropean (Non-Finnish) background in the ExAC dataset (Lek et al., 2016). The G1992D variant is anon-conservative amino acid substitution, which occurs at a position that is not conserved. In silico analysis isinconsistent in its predictions as to whether or not the variant is damaging to the protein structure/function. Weinterpret G1992D as a variant of uncertain significance.

Department of Clinical Genetics, Copenhagen University Hospital, Rigshospitalet
Classification: Uncertain significance for Retinitis pigmentosa. Last evaluated: 2018-04-01. Review status: no assertion criteria provided. Collection method: research. Allele origin: unknown. Affected: yes. Study: VeluxRD. Not counted in ClinVar's aggregate classification.

Clinical Genetics, Academic Medical Center
Classification: Benign. Review status: no assertion criteria provided. Collection method: clinical testing. Allele origin: germline. Affected: yes. Study: VKGL Data-share Consensus. Not counted in ClinVar's aggregate classification.

Literature cited by the submitters: PubMed 32483926 (cited by Institute of Human Genetics, Univ. Regensburg, Univ. Regensburg); PubMed 30718709 (cited by Department of Clinical Genetics, Copenhagen University Hospital, Rigshospitalet).

NM_001004334.4(GPR179):c.5975G>A (p.Gly1992Asp)

Gene: GPR179 (G protein-coupled receptor 179; minus strand). Cytogenetic location: 17q12.
Variant type: single nucleotide variant.
Coding change: c.5975G>A on transcript NM_001004334.4 (MANE Select); coding-DNA position 5975, G replaced by A.
Protein change: p.Gly1992Asp; replaces glycine 1992 with aspartic acid.
Molecular consequence: missense variant.
Genome position (GRCh38, 1-based): chr17:38,327,594, C>T on the plus strand (G>A on the coding strand, the complement: GPR179 is on the minus strand). VCF-style: chr17-38327594-C-T. GRCh37 (hg19) VCF-style: chr17-36483477-C-T.
Other names: short protein forms G1992D.
Identifiers: ClinVar variation 322975 (VCV000322975.47), dbSNP rs200936863, ClinGen allele CA10650013.